The following is an entry in ClinVar:

ClinVar aggregate classification (germline): Uncertain significance (1 of 4 stars; one submission).

gnomAD v4.1: 3 of 1,611,734 alleles (0.00019%); highest among the groups gnomAD compares: Non-Finnish European, 0.00025%; no homozygotes.

Submission:

CeGaT Center for Human Genetics Tuebingen
Classification: Uncertain significance. Last evaluated: 2024-07-01. Review status: criteria provided, single submitter. Criteria: CeGaT Center For Human Genetics Tuebingen Variant Classification Criteria Version 2. Collection method: clinical testing. Allele origin: germline. Affected: yes. Observed: 1 variant allele.
Comment: ARHGEF10: PM2, BP4

NM_014629.4(ARHGEF10):c.2150T>A (p.Val717Asp)

Genes: ARHGEF10 (Rho guanine nucleotide exchange factor 10; plus strand), LOC126860281 (CDK7 strongly-dependent group 2 enhancer GRCh37_chr8:1870370-1871569; plus strand). Cytogenetic location: 8p23.3.
Variant type: single nucleotide variant.
Coding change: c.2150T>A on transcript NM_014629.4 (MANE Select); coding-DNA position 2150, T replaced by A.
Protein change: p.Val717Asp; replaces valine 717 with aspartic acid.
Molecular consequence: missense variant.
Genome position (GRCh38, 1-based): chr8:1,922,970, T>A. VCF-style: chr8-1922970-T-A. GRCh37 (hg19) VCF-style: chr8-1871136-T-A.
Other names: c.2036T>A, p.Val679Asp (NM_001308152.2); c.2150T>A, p.Val717Asp (NM_001308153.3); short protein forms V679D, V717D, V741D.
Identifiers: ClinVar variation 3257074 (VCV003257074.17).